The following is an entry in ClinVar:

NM_001267550.2(TTN):c.55351C>T (p.Arg18451Ter)

Genes: TTN (titin; minus strand), TTN-AS1 (TTN antisense RNA 1; plus strand). Cytogenetic location: 2q31.2.
Variant type: single nucleotide variant.
Coding change: c.55351C>T on transcript NM_001267550.2 (MANE Select); coding-DNA position 55351, C replaced by T.
Protein change: p.Arg18451Ter; replaces arginine 18451 with a stop codon.
Molecular consequence: nonsense.
Genome position (GRCh38, 1-based): chr2:178,601,739, G>A on the plus strand (C>T on the coding strand, the complement: TTN is on the minus strand). VCF-style: chr2-178601739-G-A. GRCh37 (hg19) VCF-style: chr2-179466466-G-A.
Other names: c.55351C>T (NM_001267550.1); c.50428C>T, p.Arg16810Ter (NM_001256850.1); c.28156C>T, p.Arg9386Ter (NM_003319.4); c.47647C>T, p.Arg15883Ter (NM_133378.4); c.28531C>T, p.Arg9511Ter (NM_133432.3); c.28732C>T, p.Arg9578Ter (NM_133437.4); short protein forms R18451*, R15883*, R16810*, R9386*, R9511*, R9578*.
Identifiers: ClinVar variation 958943 (VCV000958943.17), dbSNP rs1440093502, ClinGen allele CA349542075.

ClinVar aggregate classification (germline): Pathogenic/Likely pathogenic. Review status: criteria provided, multiple submitters, no conflicts (2 of 4 stars). 7 submissions from 7 submitters: Pathogenic (5); Likely pathogenic (2). Last evaluated 2026-02-06.

Conditions:
Autosomal recessive titinopathy. Identifiers: MedGen CN315649, MONDO:0100493.
Autosomal recessive limb-girdle muscular dystrophy type 2J (LGMDR10). Also called: MUSCULAR DYSTROPHY, LIMB-GIRDLE, AUTOSOMAL RECESSIVE 10; Limb-girdle muscular dystrophy, type 2J. Identifiers: Orphanet 140922, MedGen C1837342, MONDO:0012127, OMIM 608807.
Dilated cardiomyopathy 1G (CMD1G). Identifiers: Orphanet 154, MedGen C1858763, MONDO:0011400, OMIM 604145.
Cardiovascular phenotype. Identifiers: MedGen CN230736.

Allele frequency attached by ClinVar (database versions not stated): gnomAD exomes below 0.00001.
gnomAD v4.1: 3 of 1,609,134 alleles (0.00019%); highest among the groups gnomAD compares: Non-Finnish European, 0.00025%; no homozygotes.

Submissions (7):

Myofin, Folkhalsan Research Center
Classification: Pathogenic for Autosomal recessive titinopathy. Last evaluated: 2026-02-06. Review status: criteria provided, single submitter. Criteria: ACMG Guidelines, 2015. Collection method: research. Allele origin: germline. Affected: yes.
Comment: TTN loss-of-function is an established mechanism for autosomal recessive titinopathies. ACMG/AMP criteria applied: PVS1 (predicted loss of function), PM2_Supporting (absent/rare in population databases), and PP4_Supporting (highly consistent clinical phenotype). Overall classification: Pathogenic for recessive titinopathy.

Labcorp Genetics (formerly Invitae), Labcorp
Classification: Pathogenic for Dilated cardiomyopathy 1G; Autosomal recessive limb-girdle muscular dystrophy type 2J. Last evaluated: 2025-12-23. Review status: criteria provided, single submitter. Criteria: Invitae Variant Classification Sherloc (09022015). Collection method: clinical testing. Allele origin: germline.
Comment: This sequence change creates a premature translational stop signal (p.Arg18451*) in the TTN gene. While this is not anticipated to result in nonsense mediated decay, it is expected to create a truncated TTN protein. This variant is not present in population databases (gnomAD no frequency). This premature translational stop signal has been observed in individuals with distal myopathy and/or dilated cardiomyopathy (PMID: 25163546, 28295036; internal data). This variant is also known as c.C28732T (p.R9578X). ClinVar contains an entry for this variant (Variation ID: 958943). This variant is located in the A band of TTN (PMID: 25589632). Truncating variants in this region are significantly overrepresented in patients affected with dilated cardiomyopathy (PMID: 25589632). Truncating variants in this region have also been reported in individuals affected with autosomal recessive centronuclear myopathy (PMID: 23975875). For these reasons, this variant has been classified as Pathogenic.

Genomic Medicine Center of Excellence, King Faisal Specialist Hospital and Research Centre
Classification: Pathogenic for Dilated cardiomyopathy 1G. Last evaluated: 2025-09-10. Review status: criteria provided, single submitter. Criteria: ACMG Guidelines, 2015. Collection method: clinical testing. Allele origin: germline.

Ambry Genetics
Classification: Likely pathogenic for Cardiovascular phenotype. Last evaluated: 2023-12-22. Review status: criteria provided, single submitter. Criteria: Ambry Variant Classification Scheme 2023. Collection method: clinical testing. Allele origin: germline.
Comment: The p.R9386* variant (also known as c.28156C>T), located in coding exon 113 of the TTN gene, results from a C to T substitution at nucleotide position 28156. This changes the amino acid from an arginine to a stop codon within coding exon 113. This exon is located in the A-band region of the N2-B isoform of the titin protein and is constitutively expressed in TTN transcripts (percent spliced in or PSI 100%). This alteration has been reported in a dilated cardiomyopathy (DCM) cohort and a limb-girdle weakness cohort (Haas J et al. Eur Heart J, 2015 May;36:1123-35a; T&ouml;pf A et al. Genet Med, 2020 Sep;22:1478-1488). This variant is also considered to be rare based on population cohorts in the Genome Aggregation Database (gnomAD). This alteration is expected to result in loss of function by premature protein truncation or nonsense-mediated mRNA decay. While truncating variants in TTN are present in 1-3% of the general population, truncating variants in the A-band are the most common cause of dilated cardiomyopathy (DCM) (Herman DS et al. N. Engl. J. Med., 2012 Feb;366:619-28; Roberts AM et al. Sci Transl Med, 2015 Jan;7:270ra6). TTN truncating variants encoded in constitutive exons (PSI >90%) have been found to be significantly associated with DCM regardless of their position in titin (Schafer S et al. Nat. Genet., 2017 01;49:46-53). Based on the majority of available evidence to date, this variant is likely to be pathogenic.

GeneDx
Classification: Pathogenic. Last evaluated: 2022-07-29. Review status: criteria provided, single submitter. Criteria: GeneDx Variant Classification Process June 2021. Collection method: clinical testing. Allele origin: germline. Affected: yes.
Comment: Reported in association with dilated cardiomyopathy (Haas et al., 2015); Not observed at significant frequency in large population cohorts (gnomAD); Nonsense variant predicted to result in protein truncation or nonsense mediated decay in a gene for which loss of function is a known mechanism of disease; Located in the A-band region of TTN in which the majority of loss of function variants have been associated with autosomal dominant titinopathies (Herman et al., 2012); This variant is associated with the following publications: (PMID: 32528171, 25163546, 32778822, 28295036)

Institute of Medical Genetics and Applied Genomics, University Hospital Tübingen
Classification: Pathogenic. Last evaluated: 2020-10-23. Review status: criteria provided, single submitter. Criteria: ACMG Guidelines, 2015. Collection method: clinical testing. Allele origin: germline. Inheritance: Autosomal unknown. Affected: yes.

Juno Genomics, Hangzhou Juno Genomics, Inc
Classification: Likely pathogenic for Dilated cardiomyopathy 1G. Review status: criteria provided, single submitter. Criteria: ACMG Guidelines, 2015. Collection method: clinical testing. Allele origin: germline.
Comment: Null variant in a gene where loss of function (LOF) is a known mechanism of disease.;Absent from controls (or at extremely low frequency if recessive) in Genome Aggregation Database.

Literature cited by the submitters: DOI 10.1101/2025.07.17.25331133 (cited by Myofin, Folkhalsan Research Center); PubMed 25163546 (cited by Labcorp Genetics (formerly Invitae), Labcorp and Ambry Genetics); PubMed 28295036 (cited by Labcorp Genetics (formerly Invitae), Labcorp); PubMed 25589632 (cited by Labcorp Genetics (formerly Invitae), Labcorp); PubMed 23975875 (cited by Labcorp Genetics (formerly Invitae), Labcorp); PubMed 32528171 (cited by Ambry Genetics).